The following is an entry in ClinVar:

ClinVar aggregate classification (germline): Uncertain significance (1 of 4 stars; one submission).

Conditions:
Inborn genetic diseases. Identifiers: MedGen C0950123, MeSH D030342.

Submission:

Ambry Genetics
Classification: Uncertain significance for Inborn genetic diseases. Last evaluated: 2024-10-22. Review status: criteria provided, single submitter. Criteria: Ambry Variant Classification Scheme 2023. Collection method: clinical testing. Allele origin: germline.
Comment: The p.L150Q variant (also known as c.449T>A), located in coding exon 1 of the SMAD6 gene, results from a T to A substitution at nucleotide position 449. The leucine at codon 150 is replaced by glutamine, an amino acid with dissimilar properties. This amino acid position is conserved. In addition, this alteration is predicted to be tolerated by in silico analysis. Since supporting evidence is limited at this time, the clinical significance of this alteration remains unclear.

NM_005585.5(SMAD6):c.449T>A (p.Leu150Gln)

Gene: SMAD6 (SMAD family member 6; plus strand). Cytogenetic location: 15q22.31.
Variant type: single nucleotide variant.
Coding change: c.449T>A on transcript NM_005585.5 (MANE Select); coding-DNA position 449, T replaced by A.
Protein change: p.Leu150Gln; replaces leucine 150 with glutamine.
Molecular consequence: missense variant. On other transcripts: non-coding transcript variant (1).
Genome position (GRCh38, 1-based): chr15:66,703,707, T>A. VCF-style: chr15-66703707-T-A. GRCh37 (hg19) VCF-style: chr15-66996045-T-A.
Other names: short protein forms L150Q.
Identifiers: ClinVar variation 1741024 (VCV001741024.3), dbSNP rs2545311797, ClinGen allele CA392949576.